The following is an entry in ClinVar:

ClinVar aggregate classification (germline): Benign/Likely benign. Review status: criteria provided, multiple submitters, no conflicts (2 of 4 stars). 4 submissions from 4 submitters: Benign (1); Likely benign (3). Last evaluated 2025-04-09.

Conditions:
Tuberous sclerosis syndrome (TSC). Also called: Tuberous sclerosis; Tuberous Sclerosis Complex. Identifiers: Orphanet 805, MedGen C0041341, MONDO:0001734.
Hereditary cancer-predisposing syndrome. Also called: Neoplastic Syndromes, Hereditary; Tumor predisposition; Hereditary Cancer Syndrome; Hereditary neoplastic syndrome. Identifiers: Orphanet 140162, MedGen C0027672, MeSH D009386, MONDO:0015356.
Tuberous sclerosis 1 (TSC1). Identifiers: Orphanet 805, MedGen C1854465, MONDO:0008612, OMIM 191100.

Submissions (4):

Myriad Genetics, Inc.
Classification: Benign for Tuberous sclerosis 1. Last evaluated: 2025-04-09. Review status: criteria provided, single submitter. Criteria: Myriad Autosomal Dominant, Autosomal Recessive and X-Linked Classification Criteria (2023). Collection method: clinical testing. Allele origin: unknown.
Comment: This variant is considered benign. This variant is a silent/synonymous amino acid change and it is not expected to impact splicing.

All of Us Research Program, National Institutes of Health
Classification: Likely benign for Tuberous sclerosis syndrome. Last evaluated: 2024-08-23. Review status: criteria provided, single submitter. Criteria: ACMG Guidelines, 2015. Collection method: clinical testing. Allele origin: germline. Inheritance: Autosomal dominant inheritance. Observed: 1 variant allele, 1 heterozygote.
Comment: This study involves interpretation of variants in research participants for the purpose of population health screening. Participant phenotype was not available at the time of variant classification. Additional details can be found in publication PMID: 35346344, PMCID: PMC8962531

Ambry Genetics
Classification: Likely benign for Hereditary cancer-predisposing syndrome. Last evaluated: 2023-11-24. Review status: criteria provided, single submitter. Criteria: Ambry Variant Classification Scheme 2023. Collection method: clinical testing. Allele origin: germline.

Labcorp Genetics (formerly Invitae), Labcorp
Classification: Likely benign for Tuberous sclerosis 1. Last evaluated: 2023-04-09. Review status: criteria provided, single submitter. Criteria: Invitae Variant Classification Sherloc (09022015). Collection method: clinical testing. Allele origin: germline.

NM_000368.5(TSC1):c.1368A>G (p.Leu456=)

Gene: TSC1 (TSC complex subunit 1; minus strand). Cytogenetic location: 9q34.13.
Variant type: single nucleotide variant.
Coding change: c.1368A>G on transcript NM_000368.5 (MANE Select); coding-DNA position 1368, A replaced by G.
Protein change: p.Leu456=; no amino-acid change (leucine 456 retained).
Molecular consequence: synonymous variant.
Genome position (GRCh38, 1-based): chr9:132,906,801, T>C on the plus strand (A>G on the coding strand, the complement: TSC1 is on the minus strand). VCF-style: chr9-132906801-T-C. GRCh37 (hg19) VCF-style: chr9-135782188-T-C.
Other names: c.1365A>G, p.Leu455= (NM_001162426.2); c.1215A>G, p.Leu405= (NM_001162427.2); c.1005A>G, p.Leu335= (NM_001362177.2); c.1368A>G (NM_000368.4).
Identifiers: ClinVar variation 1577149 (VCV001577149.11), dbSNP rs397514856, ClinGen allele CA467591837.